The following is an entry in ClinVar:

ClinVar aggregate classification (germline): Uncertain significance. Review status: criteria provided, multiple submitters, no conflicts (2 of 4 stars). 2 submissions from 2 submitters: Uncertain significance (2). Last evaluated 2022-07-05.

Conditions:
Hereditary nonpolyposis colorectal neoplasms. Identifiers: MedGen C0009405, MeSH D003123.
Hereditary cancer-predisposing syndrome. Also called: Hereditary neoplastic syndrome; Neoplastic Syndromes, Hereditary; Hereditary Cancer Syndrome; Tumor predisposition. Identifiers: Orphanet 140162, MedGen C0027672, MeSH D009386, MONDO:0015356.

Allele frequency attached by ClinVar (database versions not stated): gnomAD exomes below 0.00001.

Submissions (2):

Ambry Genetics
Classification: Uncertain significance for Hereditary cancer-predisposing syndrome. Last evaluated: 2022-07-05. Review status: criteria provided, single submitter. Criteria: Ambry Variant Classification Scheme 2023. Collection method: clinical testing. Allele origin: germline.
Comment: The p.R304G variant (also known as c.910A>G), located in coding exon 9 of the PMS2 gene, results from an A to G substitution at nucleotide position 910. The arginine at codon 304 is replaced by glycine, an amino acid with dissimilar properties. This amino acid position is conserved. In addition, the in silico prediction for this alteration is inconclusive. Since supporting evidence is limited at this time, the clinical significance of this alteration remains unclear.

Labcorp Genetics (formerly Invitae), Labcorp
Classification: Uncertain significance for Hereditary nonpolyposis colorectal neoplasms. Last evaluated: 2018-07-16. Review status: criteria provided, single submitter. Criteria: Invitae Variant Classification Sherloc (09022015). Collection method: clinical testing. Allele origin: germline.
Comment: Algorithms developed to predict the effect of missense changes on protein structure and function are either unavailable or do not agree on the potential impact of this missense change (SIFT: "Deleterious"; PolyPhen-2: "Benign"; Align-GVGD: "Class C0"). In summary, the available evidence is currently insufficient to determine the role of this variant in disease. Therefore, it has been classified as a Variant of Uncertain Significance. This variant has not been reported in the literature in individuals with PMS2-related disease. This variant is not present in population databases (ExAC no frequency). This sequence change replaces arginine with glycine at codon 304 of the PMS2 protein (p.Arg304Gly). The arginine residue is weakly conserved and there is a moderate physicochemical difference between arginine and glycine.

NM_000535.7(PMS2):c.910A>G (p.Arg304Gly)

Gene: PMS2 (PMS1 homolog 2, mismatch repair system component; minus strand). Cytogenetic location: 7p22.1.
Variant type: single nucleotide variant.
Coding change: c.910A>G on transcript NM_000535.7 (MANE Select); coding-DNA position 910, A replaced by G.
Protein change: p.Arg304Gly; replaces arginine 304 with glycine.
Molecular consequence: missense variant. On other transcripts: 5 prime UTR variant (2), non-coding transcript variant (1).
Genome position (GRCh38, 1-based): chr7:5,992,051, T>C on the plus strand (A>G on the coding strand, the complement: PMS2 is on the minus strand). VCF-style: chr7-5992051-T-C. GRCh37 (hg19) VCF-style: chr7-6031682-T-C.
Other names: c.505A>G, p.Arg169Gly (NM_001322003.2, NM_001322004.2, NM_001322005.2 and 2 more transcripts); c.910A>G, p.Arg304Gly (NM_001322006.2, NM_001322014.2); c.592A>G, p.Arg198Gly (NM_001322007.2, NM_001322008.2); c.-24A>G (NM_001322011.2, NM_001322012.2); c.337A>G, p.Arg113Gly (NM_001322013.2); c.601A>G, p.Arg201Gly (NM_001322015.2); short protein forms R201G, R304G, R113G, R169G, R198G.
Identifiers: ClinVar variation 658497 (VCV000658497.11), dbSNP rs1583345773, ClinGen allele CA366743212.